The following is an entry in ClinVar:

ClinVar aggregate classification (germline): Pathogenic (1 of 4 stars; one submission).

Conditions:
Methylmalonic aciduria and homocystinuria type cblD (MAHCD). Also called: Methylmalonic aciduria with homocystinuria cblD type; METHYLMALONIC ACIDEMIA, cblH TYPE. Identifiers: Orphanet 622, Orphanet 79283, MedGen C1848552, MONDO:0010185, OMIM 277410.

Submission:

Labcorp Genetics (formerly Invitae), Labcorp
Classification: Pathogenic for Methylmalonic aciduria and homocystinuria type cblD. Last evaluated: 2020-01-13. Review status: criteria provided, single submitter. Criteria: Invitae Variant Classification Sherloc (09022015). Collection method: clinical testing. Allele origin: germline.
Comment: This variant is a gross deletion of the genomic region encompassing exon 2 of the MMADHC gene, which includes the initiator codon. The 5' end of this event is unknown as it extends beyond the assayed region for this gene and therefore may encompass additional genes. The 3' boundary is likely confined to intron 2 of the MMADHC gene. This is expected to result in an absent or disrupted protein product. This variant has not been reported in the literature in individuals with MMADHC-related conditions. Loss-of-function variants in MMADHC are known to be pathogenic (PMID: 18385497). For these reasons, this variant has been classified as Pathogenic.

Literature cited by the submitters: PubMed 18385497.

NC_000002.11:g.(?_150443583)_(150443631_?)del

Gene: MMADHC (metabolism of cobalamin associated D; minus strand). Cytogenetic location: 2q23.2.
Variant type: Deletion.
Identifiers: ClinVar variation 1072551 (VCV001072551.1).